The following is an entry in ClinVar:

ClinVar aggregate classification (germline): Uncertain significance. Review status: criteria provided, multiple submitters, no conflicts (2 of 4 stars). 3 submissions from 3 submitters: Uncertain significance (3). Last evaluated 2024-01-12.

Conditions:
Inborn genetic diseases. Identifiers: MedGen C0950123, MeSH D030342.
Generalized epilepsy with febrile seizures plus, type 9 (GEFSP9). Also called: GEFS+, TYPE 9. Identifiers: Orphanet 36387, MedGen C4015395, MONDO:0014517, OMIM 616172.

Allele frequency attached by ClinVar (database versions not stated): gnomAD exomes below 0.00001 and 0.00003; ExAC 0.00001; gnomAD 0.00001; TOPMed 0.00001.
gnomAD v4.1: 41 of 1,614,018 alleles (0.0025%); highest among the groups gnomAD compares: Non-Finnish European, 0.0032%; no homozygotes.

Submissions (3):

Labcorp Genetics (formerly Invitae), Labcorp
Classification: Uncertain significance for Generalized epilepsy with febrile seizures plus, type 9. Last evaluated: 2024-01-12. Review status: criteria provided, single submitter. Criteria: Invitae Variant Classification Sherloc (09022015). Collection method: clinical testing. Allele origin: germline.
Comment: This sequence change replaces alanine, which is neutral and non-polar, with serine, which is neutral and polar, at codon 63 of the STX1B protein (p.Ala63Ser). This variant is present in population databases (rs778453959, gnomAD 0.0009%). This variant has not been reported in the literature in individuals affected with STX1B-related conditions. ClinVar contains an entry for this variant (Variation ID: 852366). Advanced modeling of protein sequence and biophysical properties (such as structural, functional, and spatial information, amino acid conservation, physicochemical variation, residue mobility, and thermodynamic stability) performed at Invitae indicates that this missense variant is not expected to disrupt STX1B protein function with a negative predictive value of 80%. In summary, the available evidence is currently insufficient to determine the role of this variant in disease. Therefore, it has been classified as a Variant of Uncertain Significance.

CeGaT Center for Human Genetics Tuebingen
Classification: Uncertain significance. Last evaluated: 2020-12-01. Review status: criteria provided, single submitter. Criteria: CeGaT Center For Human Genetics Tuebingen Variant Classification Criteria Version 2. Collection method: clinical testing. Allele origin: germline. Affected: yes. Observed: 1 variant allele.

Ambry Genetics
Classification: Uncertain significance for Inborn genetic diseases. Last evaluated: 2019-09-17. Review status: criteria provided, single submitter. Criteria: Ambry Variant Classification Scheme 2023. Collection method: clinical testing. Allele origin: germline.
Comment: The p.A63S variant (also known as c.187G>T), located in coding exon 3 of the STX1B gene, results from a G to T substitution at nucleotide position 187. The alanine at codon 63 is replaced by serine, an amino acid with similar properties. This amino acid position is highly conserved in available vertebrate species. In addition, this alteration is predicted to be tolerated by in silico analysis. Since supporting evidence is limited at this time, the clinical significance of this alteration remains unclear.

NM_052874.5(STX1B):c.187G>T (p.Ala63Ser)

Gene: STX1B (syntaxin 1B; minus strand). Cytogenetic location: 16p11.2.
Variant type: single nucleotide variant.
Coding change: c.187G>T on transcript NM_052874.5 (MANE Select); coding-DNA position 187, G replaced by T.
Protein change: p.Ala63Ser; replaces alanine 63 with serine.
Molecular consequence: missense variant.
Genome position (GRCh38, 1-based): chr16:31,001,112, C>A on the plus strand (G>T on the coding strand, the complement: STX1B is on the minus strand). VCF-style: chr16-31001112-C-A. GRCh37 (hg19) VCF-style: chr16-31012433-C-A.
Other names: short protein forms A63S.
Identifiers: ClinVar variation 852366 (VCV000852366.47), dbSNP rs778453959, ClinGen allele CA8018461.